The following is an entry in ClinVar:

NM_182961.4(SYNE1):c.25993A>T (p.Ser8665Cys)

Gene: SYNE1 (spectrin repeat containing nuclear envelope protein 1; minus strand). Cytogenetic location: 6q25.2.
Variant type: single nucleotide variant.
Coding change: c.25993A>T on transcript NM_182961.4 (MANE Select); coding-DNA position 25993, A replaced by T.
Protein change: p.Ser8665Cys; replaces serine 8665 with cysteine.
Molecular consequence: missense variant.
Genome position (GRCh38, 1-based): chr6:152,133,284, T>A on the plus strand (A>T on the coding strand, the complement: SYNE1 is on the minus strand). VCF-style: chr6-152133284-T-A. GRCh37 (hg19) VCF-style: chr6-152454419-T-A.
Other names: c.2599A>T, p.Ser867Cys (NM_001347701.2); c.2527A>T, p.Ser843Cys (NM_001347702.2); c.25849A>T, p.Ser8617Cys (NM_033071.5); short protein forms S843C, S8617C, S8665C, S867C.
Identifiers: ClinVar variation 3760001 (VCV003760001.2).

ClinVar aggregate classification (germline): Uncertain significance (1 of 4 stars; one submission).

Conditions:
Emery-Dreifuss muscular dystrophy 4, autosomal dominant (EDMD4). Also called: EMERY-DREIFUSS MUSCULAR DYSTROPHY 4 WITH VARIABLE FEATURES. Identifiers: Orphanet 261, MedGen C2751807, MONDO:0013071, OMIM 612998.
Autosomal recessive ataxia, Beauce type. Also called: Spinocerebellar ataxia, autosomal recessive 8; ATAXIA, RECESSIVE, OF BEAUCE; SYNE1-Related Autosomal Recessive Cerebellar Ataxia; SYNE1 Deficiency. Identifiers: Orphanet 88644, MedGen C1853116, MONDO:0012549, OMIM 610743.

gnomAD v4.1: 1 of 1,614,176 alleles (0.000062%); highest among the groups gnomAD compares: Non-Finnish European, 0.000085%; no homozygotes.

Submission:

Labcorp Genetics (formerly Invitae), Labcorp
Classification: Uncertain significance for Emery-Dreifuss muscular dystrophy 4, autosomal dominant; Autosomal recessive ataxia, Beauce type. Last evaluated: 2024-12-14. Review status: criteria provided, single submitter. Criteria: Invitae Variant Classification Sherloc (09022015). Collection method: clinical testing. Allele origin: germline.
Comment: This sequence change replaces serine, which is neutral and polar, with cysteine, which is neutral and slightly polar, at codon 8617 of the SYNE1 protein (p.Ser8617Cys). This variant is not present in population databases (gnomAD no frequency). This variant has not been reported in the literature in individuals affected with SYNE1-related conditions. An algorithm developed to predict the effect of missense changes on protein structure and function (PolyPhen-2) suggests that this variant is likely to be disruptive. In summary, the available evidence is currently insufficient to determine the role of this variant in disease. Therefore, it has been classified as a Variant of Uncertain Significance.